The following is an entry in ClinVar:

NM_199242.3(UNC13D):c.1637A>G (p.Asp546Gly)

Gene: UNC13D (unc-13 homolog D; minus strand). Cytogenetic location: 17q25.1.
Variant type: single nucleotide variant.
Coding change: c.1637A>G on transcript NM_199242.3 (MANE Select); coding-DNA position 1637, A replaced by G.
Protein change: p.Asp546Gly; replaces aspartic acid 546 with glycine.
Molecular consequence: missense variant.
Genome position (GRCh38, 1-based): chr17:75,835,737, T>C on the plus strand (A>G on the coding strand, the complement: UNC13D is on the minus strand). VCF-style: chr17-75835737-T-C. GRCh37 (hg19) VCF-style: chr17-73831818-T-C.
Other names: short protein forms D546G.
Identifiers: ClinVar variation 2184565 (VCV002184565.3), dbSNP rs893119657, ClinGen allele CA294086816.
Genomic context (GRCh38, chr17:75,835,737, plus strand): 5'-AGCTCCTTGAGGCTGATGTAGAGCTGGAACAGACTCTCGCCCATCTCTGGGGACACTACA[T>C]CACCCACAACCGTCGTGTGGTCCTGCACCCGCTTGGCCACCTGCAAAGGAAAGGTGTGGA-3'
Protein context (NP_954712.1, residues 536-556): RVQDHTTVVG[Asp546Gly]VVSPEMGESL

ClinVar aggregate classification (germline): Conflicting classifications of pathogenicity. Review status: criteria provided, conflicting classifications (1 of 4 stars). 3 submissions from 3 submitters: Uncertain significance (2); Likely benign (1). Last evaluated 2024-01-23.

Conditions:
Familial hemophagocytic lymphohistiocytosis 3 (FHL3). Also called: UNC13D-Related Familial Hemophagocytic Lymphohistiocytosis (UNC13D-fHLH). Identifiers: Orphanet 540, MedGen C1837174, MONDO:0012146, OMIM 608898.
Inborn genetic diseases. Identifiers: MedGen C0950123, MeSH D030342.

Allele frequency attached by ClinVar (database versions not stated): gnomAD exomes 0.00001; gnomAD 0.00003; TOPMed 0.00005.
gnomAD v4.1: 10 of 1,613,642 alleles (0.00062%); highest among the groups gnomAD compares: African/African-American, 0.013%; no homozygotes.

Submissions (3):

Women's Health and Genetics/Laboratory Corporation of America, LabCorp
Classification: Uncertain significance. Last evaluated: 2024-01-23. Review status: criteria provided, single submitter. Criteria: LabCorp Variant Classification Summary - May 2015. Collection method: clinical testing. Allele origin: germline.
Comment: Variant summary: UNC13D c.1637A>G (p.Asp546Gly) results in a non-conservative amino acid change in the encoded protein sequence. Four of five in-silico tools predict a benign effect of the variant on protein function. The variant allele was found at a frequency of 1.3e-05 in 775156 control chromosomes (i.e. 10 carriers; gnomAD v4). This frequency is not higher than the estimated maximum expected for a pathogenic variant in UNC13D causing Familial Hemophagocytic Lymphohistiocytosis (0.0027), allowing no conclusion about variant significance. To our knowledge, no occurrence of c.1637A>G in individuals affected with Familial Hemophagocytic Lymphohistiocytosis and no experimental evidence demonstrating its impact on protein function have been reported. ClinVar contains an entry for this variant (Variation ID: 2184565). Based on the evidence outlined above, the variant was classified as uncertain significance

Ambry Genetics
Classification: Likely benign for Inborn genetic diseases. Last evaluated: 2022-12-28. Review status: criteria provided, single submitter. Criteria: Ambry Variant Classification Scheme 2023. Collection method: clinical testing. Allele origin: germline.

Labcorp Genetics (formerly Invitae), Labcorp
Classification: Uncertain significance for Familial hemophagocytic lymphohistiocytosis 3. Last evaluated: 2022-05-18. Review status: criteria provided, single submitter. Criteria: Invitae Variant Classification Sherloc (09022015). Collection method: clinical testing. Allele origin: germline.
Comment: This sequence change replaces aspartic acid, which is acidic and polar, with glycine, which is neutral and non-polar, at codon 546 of the UNC13D protein (p.Asp546Gly). This variant is present in population databases (no rsID available, gnomAD 0.02%). This variant has not been reported in the literature in individuals affected with UNC13D-related conditions. Algorithms developed to predict the effect of missense changes on protein structure and function output the following: SIFT: "Not Available"; PolyPhen-2: "Benign"; Align-GVGD: "Not Available". The glycine amino acid residue is found in multiple mammalian species, which suggests that this missense change does not adversely affect protein function. In summary, the available evidence is currently insufficient to determine the role of this variant in disease. Therefore, it has been classified as a Variant of Uncertain Significance.